The following is an entry in ClinVar:

ClinVar aggregate classification (germline): Likely benign (1 of 4 stars; one submission).

Allele frequency attached by ClinVar (database versions not stated): gnomAD 0.00003; ExAC 0.00072; 1000 Genomes Project 0.00260; ESP Exome Variant Server 0.00701.
gnomAD v4.1: 1,704 of 1,544,562 alleles (0.11%); highest among the groups gnomAD compares: Non-Finnish European, 0.14%; no homozygotes.

Submission:

CeGaT Center for Human Genetics Tuebingen
Classification: Likely benign. Last evaluated: 2023-03-01. Review status: criteria provided, single submitter. Criteria: CeGaT Center For Human Genetics Tuebingen Variant Classification Criteria Version 2. Collection method: clinical testing. Allele origin: germline. Affected: yes. Observed: 1 variant allele.
Comment: TMEM247: BP4

NM_001424184.1(TMEM247):c.401T>C (p.Val134Ala)

Gene: TMEM247 (transmembrane protein 247; plus strand). Cytogenetic location: 2p21.
Variant type: single nucleotide variant.
Coding change: c.401T>C on transcript NM_001424184.1 (MANE Select); coding-DNA position 401, T replaced by C.
Protein change: p.Val134Ala; replaces valine 134 with alanine.
Molecular consequence: missense variant.
Genome position (GRCh38, 1-based): chr2:46,480,688, T>C. VCF-style: chr2-46480688-T-C. GRCh37 (hg19) VCF-style: chr2-46707827-T-C.
Other names: c.401T>C, p.Val134Ala (NM_001145051.2); short protein forms V134A.
Identifiers: ClinVar variation 2650874 (VCV002650874.24), dbSNP rs61995901, ClinGen allele CA1645508.